The following is an entry in ClinVar:

NM_003738.5(PTCH2):c.2893del (p.Leu965fs)

Gene: PTCH2 (patched 2; minus strand). Cytogenetic location: 1p34.1.
Variant type: Deletion.
Coding change: c.2893del on transcript NM_003738.5 (MANE Select); coding-DNA position 2893, one base deleted (C; older notation c.2893delC).
Protein change: p.Leu965fs; shifts the reading frame from leucine 965.
Molecular consequence: frameshift variant.
Genome position (GRCh38, 1-based): chr1:44,826,571, G deleted on the plus strand (C on the coding strand, the reverse complement: PTCH2 is on the minus strand); the first of 2 consecutive G bases (chr1:44,826,571-44,826,572); deleting either gives the same sequence. VCF-style (leftmost placement, unchanged base first): chr1-44826570-AG-A. GRCh37 (hg19) VCF-style: chr1-45292242-AG-A.
Other names: c.2893del, p.Leu965fs (NM_001166292.2); short protein forms L965fs.
Identifiers: ClinVar variation 1972717 (VCV001972717.5), dbSNP rs2521947103, ClinGen allele CA2580062875.

ClinVar aggregate classification (germline): Uncertain significance (1 of 4 stars; one submission).

Conditions:
Gorlin syndrome. Also called: Nevoid Basal Cell Carcinoma Syndrome; Basal cell nevus syndrome. Identifiers: Orphanet 377, MedGen C0004779, MONDO:0007187.

Submission:

Labcorp Genetics (formerly Invitae), Labcorp
Classification: Uncertain significance for Gorlin syndrome. Last evaluated: 2022-02-20. Review status: criteria provided, single submitter. Criteria: Invitae Variant Classification Sherloc (09022015). Collection method: clinical testing. Allele origin: germline.
Comment: In summary, the available evidence is currently insufficient to determine the role of this variant in disease. Therefore, it has been classified as a Variant of Uncertain Significance. This variant has not been reported in the literature in individuals affected with PTCH2-related conditions. This variant is not present in population databases (gnomAD no frequency). This sequence change creates a premature translational stop signal (p.Leu965Cysfs*28) in the PTCH2 gene. It is expected to result in an absent or disrupted protein product. However, the current clinical and genetic evidence is not sufficient to establish whether loss-of-function variants in PTCH2 cause disease.